The following is an entry in ClinVar:

NM_001127222.2(CACNA1A):c.293+53G>A

Gene: CACNA1A (calcium voltage-gated channel subunit alpha1 A; minus strand). Cytogenetic location: 19p13.13.
Variant type: single nucleotide variant.
Coding change: c.293+53G>A on transcript NM_001127222.2 (MANE Select); 53 bases into the intron after coding-DNA position 293, G replaced by A.
Molecular consequence: intron variant.
Genome position (GRCh38, 1-based): chr19:13,505,879, C>T on the plus strand (G>A on the coding strand, the complement: CACNA1A is on the minus strand). VCF-style: chr19-13505879-C-T. GRCh37 (hg19) VCF-style: chr19-13616693-C-T.
Other names: c.293+53G>A (NM_001127221.2, NM_001174080.2, NM_000068.4 and 1 more transcripts).
Identifiers: ClinVar variation 678168 (VCV000678168.6), dbSNP rs16003, ClinGen allele CA15944808.

ClinVar aggregate classification (germline): Benign. Review status: criteria provided, multiple submitters, no conflicts (2 of 4 stars). 7 submissions from 4 submitters: Benign (7). Last evaluated 2024-07-15.

Conditions:
Developmental and epileptic encephalopathy, 42 (DEE42A). Also called: Epileptic encephalopathy, early infantile, 42; DEVELOPMENTAL AND EPILEPTIC ENCEPHALOPATHY 42A; EPILEPTIC ENCEPHALOPATHY, EARLY INFANTILE, 42A. Identifiers: MedGen C4310716, MONDO:0014917, OMIM 617106.
Episodic ataxia type 2 (EA2). Also called: ACETAZOLAMIDE-RESPONSIVE HEREDITARY PAROXYSMAL CEREBELLAR ATAXIA; ATAXIA, FAMILIAL PAROXYSMAL; CEREBELLAR ATAXIA, PAROXYSMAL, ACETAZOLAMIDE-RESPONSIVE; CEREBELLOPATHY, HEREDITARY PAROXYSMAL; EPISODIC ATAXIA, NYSTAGMUS-ASSOCIATED; ATAXIA, EPISODIC, WITH NYSTAGMUS. Identifiers: Orphanet 97, MedGen C1720416, MONDO:0007163, OMIM 108500.
Migraine, familial hemiplegic, 1. Also called: MIGRAINE, FAMILIAL HEMIPLEGIC 1, WITH PROGRESSIVE CEREBELLAR ATAXIA. Identifiers: Orphanet 569, MedGen C1832884, MONDO:0020756, OMIM 141500, MONDO:0007714.
Spinocerebellar ataxia type 6 (SCA6). Identifiers: Orphanet 98758, MedGen C0752124, MONDO:0008457, OMIM 183086.

Allele frequency attached by ClinVar (database versions not stated): 1000 Genomes Project 30x 0.43239; TOPMed 0.43856; 1000 Genomes Project 0.44149; gnomAD 0.45781.
gnomAD v4.1: 769,316 of 1,550,156 alleles (50%); highest among the groups gnomAD compares: South Asian, 55%; 193,202 homozygotes.

Submissions (7):

Unidad de Genómica Garrahan, Hospital de Pediatría Garrahan
Classification: Benign. Last evaluated: 2024-07-15. Review status: criteria provided, single submitter. Criteria: ACMG Guidelines, 2015. Collection method: clinical testing. Allele origin: germline. Affected: no. Observed: 59 variant alleles.
Comment: This variant is classified as Benign based on local population frequency. This variant was detected in 63% of patients studied in a panel designed for Epileptic and Developmental Encephalopathy and Progressive Myoclonus Epilepsy. Number of patients: 59. Only high quality variants are reported.

Genome-Nilou Lab
Classification: Benign for Developmental and epileptic encephalopathy, 42. Last evaluated: 2021-07-14. Review status: criteria provided, single submitter. Criteria: ACMG Guidelines, 2015. Collection method: clinical testing. Allele origin: germline. Affected: no.

Genome-Nilou Lab
Classification: Benign for Episodic ataxia type 2. Last evaluated: 2021-07-14. Review status: criteria provided, single submitter. Criteria: ACMG Guidelines, 2015. Collection method: clinical testing. Allele origin: germline. Affected: no.

Genome-Nilou Lab
Classification: Benign for Migraine, familial hemiplegic, 1. Last evaluated: 2021-07-14. Review status: criteria provided, single submitter. Criteria: ACMG Guidelines, 2015. Collection method: clinical testing. Allele origin: germline. Affected: no.

Genome-Nilou Lab
Classification: Benign for Spinocerebellar ataxia type 6. Last evaluated: 2021-07-14. Review status: criteria provided, single submitter. Criteria: ACMG Guidelines, 2015. Collection method: clinical testing. Allele origin: germline. Affected: no.

GeneDx
Classification: Benign. Last evaluated: 2018-06-14. Review status: criteria provided, single submitter. Criteria: GeneDx Variant Classification (06012015). Collection method: clinical testing. Allele origin: germline. Affected: yes.
Comment: This variant is considered likely benign or benign based on one or more of the following criteria: it is a conservative change, it occurs at a poorly conserved position in the protein, it is predicted to be benign by multiple in silico algorithms, and/or has population frequency not consistent with disease.

Breakthrough Genomics
Classification: Benign. Review status: criteria provided, single submitter. Criteria: ACMG Guidelines, 2015. Collection method: not provided. Allele origin: germline. Inheritance: Autosomal dominant inheritance. Affected: yes.